The following is an entry in ClinVar:

ClinVar aggregate classification (germline): Uncertain significance (1 of 4 stars; one submission).

Conditions:
Epileptic encephalopathy. Identifiers: MedGen C0543888, HP:0200134.

Allele frequency attached by ClinVar (database versions not stated): gnomAD exomes 0.00001; TOPMed 0.00002.
gnomAD v4.1: 11 of 1,566,606 alleles (0.0007%); highest among the groups gnomAD compares: East Asian, 0.0023%; no homozygotes.

Submission:

Labcorp Genetics (formerly Invitae), Labcorp
Classification: Uncertain significance for Epileptic encephalopathy. Last evaluated: 2019-05-04. Review status: criteria provided, single submitter. Criteria: Invitae Variant Classification Sherloc (09022015). Collection method: clinical testing. Allele origin: germline.
Comment: This variant is not present in population databases (ExAC no frequency). This sequence change replaces arginine with histidine at codon 2163 of the FASN protein (p.Arg2163His). The arginine residue is moderately conserved and there is a small physicochemical difference between arginine and histidine. This variant has not been reported in the literature in individuals with FASN-related conditions. Algorithms developed to predict the effect of missense changes on protein structure and function are either unavailable or do not agree on the potential impact of this missense change (SIFT: "Deleterious"; PolyPhen-2: "Probably Damaging"; Align-GVGD: "Class C0"). In summary, the available evidence is currently insufficient to determine the role of this variant in disease. Therefore, it has been classified as a Variant of Uncertain Significance.

NM_004104.5(FASN):c.6488G>A (p.Arg2163His)

Gene: FASN (fatty acid synthase; minus strand). Cytogenetic location: 17q25.3.
Variant type: single nucleotide variant.
Coding change: c.6488G>A on transcript NM_004104.5 (MANE Select); coding-DNA position 6488, G replaced by A.
Protein change: p.Arg2163His; replaces arginine 2163 with histidine.
Molecular consequence: missense variant.
Genome position (GRCh38, 1-based): chr17:82,081,271, C>T on the plus strand (G>A on the coding strand, the complement: FASN is on the minus strand). VCF-style: chr17-82081271-C-T. GRCh37 (hg19) VCF-style: chr17-80039147-C-T.
Other names: short protein forms R2163H.
Identifiers: ClinVar variation 860279 (VCV000860279.9), dbSNP rs1018160528, ClinGen allele CA295203388.